The following is an entry in ClinVar:

NM_000090.4(COL3A1):c.2212G>A (p.Gly738Ser)

Gene: COL3A1 (collagen type III alpha 1 chain; plus strand). Cytogenetic location: 2q32.2.
Variant type: single nucleotide variant.
Coding change: c.2212G>A on transcript NM_000090.4 (MANE Select); coding-DNA position 2212, G replaced by A.
Protein change: p.Gly738Ser; replaces glycine 738 with serine.
Molecular consequence: missense variant.
Genome position (GRCh38, 1-based): chr2:188,999,560, G>A. VCF-style: chr2-188999560-G-A. GRCh37 (hg19) VCF-style: chr2-189864286-G-A.
Other names: G571S.
Identifiers: ClinVar variation 17227 (VCV000017227.12), dbSNP rs121912925, ClinGen allele CA005185.

ClinVar aggregate classification (germline): Pathogenic/Likely pathogenic. Review status: criteria provided, multiple submitters, no conflicts (2 of 4 stars). 5 submissions from 5 submitters: Pathogenic (2); Likely pathogenic (1). 2 of the submissions do not count toward it. Last evaluated 2026-06-03.

Conditions:
Familial thoracic aortic aneurysm and aortic dissection (TAAD). Also called: Thoracic aortic aneurysms and dissections. Identifiers: Orphanet 91387, MedGen C4707243, MONDO:0019625.
Ehlers-Danlos syndrome, type 4 (EDSVASC). Also called: Ehlers-Danlos syndrome vascular type; Ehlers Danlos syndrome, ecchymotic type; Ehlers Danlos syndrome, arterial type; Ehlers Danlos syndrome, Sack-Barabas type; Ehlers-Danlos Syndrome Type IV. Identifiers: Orphanet 286, MedGen C0268338, MONDO:0017314, OMIM 130050.

Submissions (5):

Ambry Genetics
Classification: Likely pathogenic for Familial thoracic aortic aneurysm and aortic dissection. Last evaluated: 2026-06-03. Review status: criteria provided, single submitter. Criteria: Ambry Variant Classification Scheme 2023. Collection method: clinical testing. Allele origin: germline.
Comment: The p.G738S variant (also known as c.2212G>A), located in coding exon 31 of the COL3A1 gene, results from a G to A substitution at nucleotide position 2212. The glycine at codon 738 is replaced by serine, an amino acid with similar properties. The majority (approximately two-thirds) ofCOL3A1mutations identified to date have involved the substitution of another amino acid for glycine within the triple-helical domain (Pepin MG et al.Genet Med. 2014;16(12):881-8; Frank M et al.Eur J Hum Genet. 2015;23(12):1657-64). This variant was reported in individual(s) with features consistent with COL3A1-related Ehlers-Danlos syndrome (Pepin M et al. N Engl J Med, 2000 Mar;342:673-80; Kaadan MI et al. Circ Genom Precis Med, 2018 Apr;11:e001933). Note, this variant is also referred to as p.G571S in the literature. Internal structural analysis indicates that this alteration disrupts the characteristic G-X-Y motif in theCOL3A1protein and inserts a bulky side chain into asterically-constrainedregion (Bella J et al.Science.1994;266:75-81;HohenesterE et al.Proc. Natl.Acad. Sci. U.S.A.2008;105:18273-7; Ambry internal data). This amino acid position is highly conserved in available vertebrate species. In addition, this alteration is predicted to be deleterious by in silico analysis. This variant is considered to be rare based on population cohorts in the Genome Aggregation Database (gnomAD). Based on the majority of available evidence to date, this variant is likely to be pathogenic.

Labcorp Genetics (formerly Invitae), Labcorp
Classification: Pathogenic for Ehlers-Danlos syndrome, type 4. Last evaluated: 2024-09-11. Review status: criteria provided, single submitter. Criteria: Invitae Variant Classification Sherloc (09022015). Collection method: clinical testing. Allele origin: germline.
Comment: This sequence change replaces glycine, which is neutral and non-polar, with serine, which is neutral and polar, at codon 738 of the COL3A1 protein (p.Gly738Ser). This variant is not present in population databases (gnomAD no frequency). This missense change has been observed in individuals with Ehlers-Danlos syndrome (PMID: 10051163, 24922459). It has also been observed to segregate with disease in related individuals. This variant is also known as p.Gly571Ser. ClinVar contains an entry for this variant (Variation ID: 17227). Invitae Evidence Modeling of protein sequence and biophysical properties (such as structural, functional, and spatial information, amino acid conservation, physicochemical variation, residue mobility, and thermodynamic stability) indicates that this missense variant is expected to disrupt COL3A1 protein function with a positive predictive value of 95%. This variant disrupts the triple helix domain of COL3A1. Glycine residues within the Gly-Xaa-Yaa repeats of the triple helix domain are required for the structure and stability of fibrillar collagens (PMID: 7695699, 8218237, 19344236). In COL3A1, variants that affect these glycine residues are significantly enriched in individuals with disease (PMID: 24922459, 25758994) compared to the general population (ExAC). For these reasons, this variant has been classified as Pathogenic.

GeneDx
Classification: Pathogenic. Last evaluated: 2023-09-18. Review status: criteria provided, single submitter. Criteria: GeneDx Variant Classification Process June 2021. Collection method: clinical testing. Allele origin: germline. Affected: yes.
Comment: Not observed at significant frequency in large population cohorts (gnomAD); In silico analysis supports that this missense variant has a deleterious effect on protein structure/function; Occurs in the triple helical domain and replaces the glycine in the canonical Gly-X-Y repeat; missense substitution of a canonical glycine residue is expected to disrupt normal protein folding and function, and this is an established mechanism of disease (HGMD); This variant is associated with the following publications: (PMID: 10706896, 24922459, 9036918, 10051163, 25355833, 29650765)

OMIM
Classification: Pathogenic for EHLERS-DANLOS SYNDROME, VASCULAR TYPE. Last evaluated: 1999-02-12. Review status: no assertion criteria provided. Collection method: literature only. Allele origin: germline. Not counted in ClinVar's aggregate classification.

Collagen Diagnostic Laboratory, University of Washington
Classification: Pathogenic for Ehlers-Danlos syndrome, type 4. Review status: no assertion criteria provided. Collection method: clinical testing. Allele origin: germline. Affected: yes. Not counted in ClinVar's aggregate classification.

Literature cited by the submitters: PubMed 10706896 (cited by Ambry Genetics and Collagen Diagnostic Laboratory, University of Washington); PubMed 29650765 (cited by Ambry Genetics); PubMed 10051163 (cited by 3 submitters); PubMed 24922459 (cited by Labcorp Genetics (formerly Invitae), Labcorp); PubMed 7695699 (cited by Labcorp Genetics (formerly Invitae), Labcorp); PubMed 8218237 (cited by Labcorp Genetics (formerly Invitae), Labcorp); PubMed 19344236 (cited by Labcorp Genetics (formerly Invitae), Labcorp); PubMed 25758994 (cited by Labcorp Genetics (formerly Invitae), Labcorp).